The following is an entry in ClinVar:

ClinVar aggregate classification (germline): Pathogenic. Review status: criteria provided, single submitter (1 of 4 stars). 2 submissions from 2 submitters: Pathogenic (1). 1 of the submissions does not count toward it. Last evaluated 2020-04-09.

Conditions:
PKD2-related disorder. Also called: PKD2-related condition.
Polycystic kidney disease 2 (PKD2). Also called: POLYCYSTIC KIDNEY DISEASE 2 WITH OR WITHOUT POLYCYSTIC LIVER DISEASE; Polycystic Kidney Disease 2, Autosomal Dominant; POLYCYSTIC KIDNEY DISEASE, ADULT, TYPE II. Identifiers: MedGen C2751306, MONDO:0013131, OMIM 613095.

Submissions (2):

Department of Pathology and Laboratory Medicine, Sinai Health System
Classification: Pathogenic for Polycystic kidney disease 2. Last evaluated: 2020-04-09. Review status: criteria provided, single submitter. Criteria: ACMG Guidelines, 2015. Collection method: clinical testing. Allele origin: germline. Affected: yes.

PreventionGenetics, part of Exact Sciences
Classification: Pathogenic for PKD2-related condition. Last evaluated: 2023-12-06. Review status: no assertion criteria provided. Collection method: clinical testing. Allele origin: germline. Not counted in ClinVar's aggregate classification.
Comment: The PKD2 c.763C>T variant is predicted to result in premature protein termination (p.Gln255*). This variant was reported in an individual with autosomal dominant polycystic kidney disease (ADPKD) (Cornec-Le Gall et al. 2017. PubMed ID: 28356211). This variant has not been reported in a large population database, indicating this variant is rare. Nonsense variants in PKD2 are expected to be pathogenic. This variant is interpreted as pathogenic.

NM_000297.4(PKD2):c.763C>T (p.Gln255Ter)

Gene: PKD2 (polycystin 2, transient receptor potential cation channel; plus strand). Cytogenetic location: 4q22.1.
Variant type: single nucleotide variant.
Coding change: c.763C>T on transcript NM_000297.4 (MANE Select); coding-DNA position 763, C replaced by T.
Protein change: p.Gln255Ter; replaces glutamine 255 with a stop codon.
Molecular consequence: nonsense. On other transcripts: non-coding transcript variant (1).
Genome position (GRCh38, 1-based): chr4:88,036,273, C>T. VCF-style: chr4-88036273-C-T. GRCh37 (hg19) VCF-style: chr4-88957425-C-T.
Other names: short protein forms Q255*.
Identifiers: ClinVar variation 3029492 (VCV003029492.3), dbSNP rs2475895954, ClinGen allele CA357631290.